The following is an entry in ClinVar:

ClinVar aggregate classification (germline): Pathogenic (1 of 4 stars; one submission).

Allele frequency attached by ClinVar (database versions not stated): ESP Exome Variant Server 0.00008; TOPMed 0.00002.
gnomAD v4.1: 1 of 1,614,058 alleles (0.000062%); highest among the groups gnomAD compares: Non-Finnish European, 0.000085%; no homozygotes.

Submission:

GeneDx
Classification: Pathogenic. Last evaluated: 2015-04-23. Review status: criteria provided, single submitter. Criteria: GeneDx Variant Classification (06012015). Collection method: clinical testing. Allele origin: germline. Affected: yes.
Comment: The S1127X variant in the C5orf42 gene has not been reported previously as a disease-causing variant nor as a benign polymorphism, to our knowledge. This variant is predicted to cause loss of normal protein function either through protein truncation or nonsense-mediated mRNA decay. The S1127X variant was not observed at any significant frequency in approximately 6,500 individuals of European and African American ancestry in the NHLBI Exome Sequencing Project, indicating it is not a common benign variant in these populations. We interpret S1127X as a disease-causing variant

NM_001384732.1(CPLANE1):c.3380C>A (p.Ser1127Ter)

Gene: CPLANE1 (ciliogenesis and planar polarity effector complex subunit 1; minus strand). Cytogenetic location: 5p13.2.
Variant type: single nucleotide variant.
Coding change: c.3380C>A on transcript NM_001384732.1 (MANE Select); coding-DNA position 3380, C replaced by A.
Protein change: p.Ser1127Ter; replaces serine 1127 with a stop codon.
Molecular consequence: nonsense.
Genome position (GRCh38, 1-based): chr5:37,201,718, G>T on the plus strand (C>A on the coding strand, the complement: CPLANE1 is on the minus strand). VCF-style: chr5-37201718-G-T. GRCh37 (hg19) VCF-style: chr5-37201820-G-T.
Other names: c.3380C>A, p.Ser1127Ter (NM_023073.4); short protein forms S1127*.
Identifiers: ClinVar variation 279720 (VCV000279720.2), dbSNP rs375009168, ClinGen allele CA10602926.